The following is an entry in ClinVar:

ClinVar aggregate classification (germline): Conflicting classifications of pathogenicity. Review status: criteria provided, conflicting classifications (1 of 4 stars). 4 submissions from 4 submitters: Uncertain significance (3); Benign (1). Last evaluated 2025-09-15.

Conditions:
Hereditary cancer-predisposing syndrome. Also called: Neoplastic Syndromes, Hereditary; Tumor predisposition; Hereditary Cancer Syndrome; Hereditary neoplastic syndrome. Identifiers: Orphanet 140162, MedGen C0027672, MeSH D009386, MONDO:0015356.
Familial adenomatous polyposis 2. Also called: COLORECTAL ADENOMATOUS POLYPOSIS, AUTOSOMAL RECESSIVE; ADENOMAS, MULTIPLE COLORECTAL, AUTOSOMAL RECESSIVE; MYH-associated polyposis; MUTYH-related attenuated familial adenomatous polyposis; MUTYH-associated polyposis; MUTYH Polyposis. Identifiers: Orphanet 220460, Orphanet 247798, MedGen C3272841, MONDO:0012041, OMIM 608456.

Allele frequency attached by ClinVar (database versions not stated): gnomAD exomes below 0.00001; gnomAD 0.00001; TOPMed 0.00001.
gnomAD v4.1: 2 of 1,614,100 alleles (0.00012%); highest among the groups gnomAD compares: Non-Finnish European, 0.00017%; no homozygotes.

Submissions (4):

Ambry Genetics
Classification: Benign for Hereditary cancer-predisposing syndrome. Last evaluated: 2025-09-15. Review status: criteria provided, single submitter. Criteria: Ambry Variant Classification Scheme 2023. Collection method: clinical testing. Allele origin: germline.

Color Diagnostics, LLC DBA Color Health
Classification: Uncertain significance for Hereditary cancer-predisposing syndrome. Last evaluated: 2024-03-06. Review status: criteria provided, single submitter. Criteria: ACMG Guidelines, 2015. Collection method: clinical testing. Allele origin: germline.
Comment: This missense variant replaces glutamic acid with aspartic acid at codon 303 of the MUTYH protein. Computational prediction suggests that this variant may not impact protein structure and function (internally defined REVEL score threshold <= 0.5, PMID: 27666373). Splice site prediction tools suggest that this variant may not impact RNA splicing. To our knowledge, functional studies have not been reported for this variant. This variant has not been reported in individuals affected with hereditary cancer in the literature. This variant has been identified in 1/31384 chromosomes in the general population by the Genome Aggregation Database (gnomAD). The available evidence is insufficient to determine the role of this variant in disease conclusively. Therefore, this variant is classified as a Variant of Uncertain Significance.

Labcorp Genetics (formerly Invitae), Labcorp
Classification: Uncertain significance for Familial adenomatous polyposis 2. Last evaluated: 2022-12-04. Review status: criteria provided, single submitter. Criteria: Invitae Variant Classification Sherloc (09022015). Collection method: clinical testing. Allele origin: germline.
Comment: This sequence change replaces glutamic acid, which is acidic and polar, with aspartic acid, which is acidic and polar, at codon 303 of the MUTYH protein (p.Glu303Asp). In summary, the available evidence is currently insufficient to determine the role of this variant in disease. Therefore, it has been classified as a Variant of Uncertain Significance. Algorithms developed to predict the effect of missense changes on protein structure and function (SIFT, PolyPhen-2, Align-GVGD) all suggest that this variant is likely to be tolerated. ClinVar contains an entry for this variant (Variation ID: 216523). This variant has not been reported in the literature in individuals affected with MUTYH-related conditions. This variant is present in population databases (no rsID available, gnomAD 0.007%).

Blueprint Genetics
Classification: Uncertain significance. Last evaluated: 2021-12-28. Review status: criteria provided, single submitter. Criteria: ACMG Guidelines, 2015. Collection method: clinical testing. Allele origin: germline.

NM_001048174.2(MUTYH):c.825G>T (p.Glu275Asp)

Gene: MUTYH (mutY DNA glycosylase; minus strand). Cytogenetic location: 1p34.1.
Variant type: single nucleotide variant.
Coding change: c.825G>T on transcript NM_001048174.2 (MANE Select); coding-DNA position 825, G replaced by T.
Protein change: p.Glu275Asp; replaces glutamic acid 275 with aspartic acid.
Molecular consequence: missense variant. On other transcripts: non-coding transcript variant (2).
Genome position (GRCh38, 1-based): chr1:45,332,190, C>A on the plus strand (G>T on the coding strand, the complement: MUTYH is on the minus strand). VCF-style: chr1-45332190-C-A. GRCh37 (hg19) VCF-style: chr1-45797862-C-A.
Other names: c.825G>T, p.Glu275Asp (NM_001048171.2, NM_001048173.2, NM_001293195.2); c.828G>T, p.Glu276Asp (NM_001048172.2); c.909G>T, p.Glu303Asp (NM_001128425.2); c.870G>T, p.Glu290Asp (NM_001293190.2); c.858G>T, p.Glu286Asp (NM_001293191.2); c.549G>T, p.Glu183Asp (NM_001293192.2, NM_001293196.2); c.480G>T, p.Glu160Asp (NM_001350650.2, NM_001350651.2); c.900G>T, p.Glu300Asp (NM_012222.3); short protein forms E303D, E275D, E276D, E286D, E183D, E300D, E160D, E290D.
Identifiers: ClinVar variation 216523 (VCV000216523.19), dbSNP rs863224700, ClinGen allele CA336527.
Genomic context (GRCh38, chr1:45,332,190, plus strand): 5'-TAGGACTTCTCACTGCCCCTTCCCCAGTAGGCTTACTCTCTGGCGTGCCCGGCACAGGCT[C>A]TCCACAGGGCACTGGCTGCACAGTGGGCGCTGTGGGGTACACACTGTGGCCCCTAGCTCC-3'
Protein context (NP_001041639.1, residues 265-285): QRPLCSQCPV[Glu275Asp]SLCRARQRVE